The following is an entry in ClinVar:

ClinVar aggregate classification (germline): Uncertain significance (1 of 4 stars; one submission).

Conditions:
Hereditary cancer-predisposing syndrome. Also called: Tumor predisposition; Hereditary neoplastic syndrome; Hereditary Cancer Syndrome; Neoplastic Syndromes, Hereditary. Identifiers: Orphanet 140162, MedGen C0027672, MeSH D009386, MONDO:0015356.

gnomAD v4.1: 1 of 1,614,196 alleles (0.000062%); no homozygotes.

Submission:

Ambry Genetics
Classification: Uncertain significance for Hereditary cancer-predisposing syndrome. Last evaluated: 2025-04-11. Review status: criteria provided, single submitter. Criteria: Ambry Variant Classification Scheme 2023. Collection method: clinical testing. Allele origin: germline.
Comment: The p.N169K variant (also known as c.507C>G), located in coding exon 4 of the SUFU gene, results from a C to G substitution at nucleotide position 507. The asparagine at codon 169 is replaced by lysine, an amino acid with similar properties. This amino acid position is conserved. In addition, this alteration is predicted to be tolerated by in silico analysis. Based on the available evidence, the clinical significance of this variant remains unclear.

NM_016169.4(SUFU):c.507C>G (p.Asn169Lys)

Gene: SUFU (SUFU negative regulator of hedgehog signaling; plus strand). Cytogenetic location: 10q24.32.
Variant type: single nucleotide variant.
Coding change: c.507C>G on transcript NM_016169.4 (MANE Select); coding-DNA position 507, C replaced by G.
Protein change: p.Asn169Lys; replaces asparagine 169 with lysine.
Molecular consequence: missense variant.
Genome position (GRCh38, 1-based): chr10:102,592,634, C>G. VCF-style: chr10-102592634-C-G. GRCh37 (hg19) VCF-style: chr10-104352391-C-G.
Other names: c.507C>G, p.Asn169Lys (NM_001178133.2); short protein forms N169K.
Identifiers: ClinVar variation 3963863 (VCV003963863.1).